The following is an entry in ClinVar:

ClinVar aggregate classification (germline): Uncertain significance. Review status: criteria provided, multiple submitters, no conflicts (2 of 4 stars). 2 submissions from 2 submitters: Uncertain significance (2). Last evaluated 2025-01-07.

Conditions:
Vitamin B2 deficiency. Identifiers: MedGen C0035528.

Allele frequency attached by ClinVar (database versions not stated): ExAC 0.00001; gnomAD exomes 0.00001; TOPMed 0.00001.
gnomAD v4.1: 19 of 1,614,118 alleles (0.0012%); highest among the groups gnomAD compares: Non-Finnish European, 0.0016%; no homozygotes.

Submissions (2):

Labcorp Genetics (formerly Invitae), Labcorp
Classification: Uncertain significance for Vitamin B2 deficiency. Last evaluated: 2025-01-07. Review status: criteria provided, single submitter. Criteria: Invitae Variant Classification Sherloc (09022015). Collection method: clinical testing. Allele origin: germline.
Comment: This sequence change replaces alanine, which is neutral and non-polar, with threonine, which is neutral and polar, at codon 250 of the SLC52A1 protein (p.Ala250Thr). This variant is not present in population databases (gnomAD no frequency). This variant has not been reported in the literature in individuals affected with SLC52A1-related conditions. ClinVar contains an entry for this variant (Variation ID: 2189151). An algorithm developed to predict the effect of missense changes on protein structure and function (PolyPhen-2) suggests that this variant is likely to be tolerated. In summary, the available evidence is currently insufficient to determine the role of this variant in disease. Therefore, it has been classified as a Variant of Uncertain Significance.

Ambry Genetics
Classification: Uncertain significance. Last evaluated: 2023-12-12. Review status: criteria provided, single submitter. Criteria: Ambry Variant Classification Scheme 2023. Collection method: clinical testing. Allele origin: germline.

NM_017986.4(SLC52A1):c.748G>A (p.Ala250Thr)

Gene: SLC52A1 (solute carrier family 52 member 1; minus strand). Cytogenetic location: 17p13.2.
Variant type: single nucleotide variant.
Coding change: c.748G>A on transcript NM_017986.4 (MANE Select); coding-DNA position 748, G replaced by A.
Protein change: p.Ala250Thr; replaces alanine 250 with threonine.
Molecular consequence: missense variant.
Genome position (GRCh38, 1-based): chr17:5,033,741, C>T on the plus strand (G>A on the coding strand, the complement: SLC52A1 is on the minus strand). VCF-style: chr17-5033741-C-T. GRCh37 (hg19) VCF-style: chr17-4937036-C-T.
Other names: c.748G>A (NM_001104577.1); c.748G>A, p.Ala250Thr (NM_001104577.2); short protein forms A250T.
Identifiers: ClinVar variation 2189151 (VCV002189151.5), dbSNP rs760706957, ClinGen allele CA8319718.